The following is an entry in ClinVar:

NM_000465.4(BARD1):c.539_540del (p.Ser179_Tyr180insTer)

Gene: BARD1 (BRCA1 associated RING domain 1; minus strand). Cytogenetic location: 2q35.
Variant type: Microsatellite.
Coding change: c.539_540del on transcript NM_000465.4 (MANE Select); coding-DNA positions 539 to 540, 2 bases deleted (AT; older notation c.539_540delAT).
Protein change: p.Ser179_Tyr180insTer.
Molecular consequence: nonsense. On other transcripts: non-coding transcript variant (2), intron variant (3).
Genome position (GRCh38, 1-based): chr2:214,781,334-214,781,335, AT deleted on the plus strand (AT on the coding strand, the reverse complement: BARD1 is on the minus strand); deleting any 2 consecutive bases within chr2:214,781,334-214,781,337 gives the same sequence; the c. name uses the placement nearest the transcript's 3' end. VCF-style (leftmost placement, unchanged base first): chr2-214781333-CAT-C. GRCh37 (hg19) VCF-style: chr2-215646057-CAT-C.
Other names: c.482_483del, p.Ser160_Tyr161insTer (NM_001282543.2); c.158+28077_158+28078del (NM_001282548.2); c.215+15726_215+15727del (NM_001282545.2); c.364+10962_364+10963del (NM_001282549.2); c.539_540delAT (NM_000465.2); c.539_540del (NM_000465.2).
Identifiers: ClinVar variation 186576 (VCV000186576.43), dbSNP rs779427628, ClinGen allele CA195214.

ClinVar aggregate classification (germline): Pathogenic. Review status: criteria provided, multiple submitters, no conflicts (2 of 4 stars). 11 submissions from 11 submitters: Pathogenic (11). Last evaluated 2025-11-24.

Conditions:
BARD1-related cancer predisposition. Identifiers: MedGen CN377756, MONDO:0700267.
Hereditary cancer-predisposing syndrome. Also called: Tumor predisposition; Neoplastic Syndromes, Hereditary; Hereditary Cancer Syndrome; Hereditary neoplastic syndrome. Identifiers: Orphanet 140162, MedGen C0027672, MeSH D009386, MONDO:0015356.
Familial cancer of breast. Also called: hereditary breast carcinoma; BREAST CANCER, FAMILIAL; Hereditary breast cancer. Identifiers: Orphanet 227535, MedGen C0346153, MONDO:0016419, OMIM 114480. Disease mechanism: loss of function.

Submissions (11):

Labcorp Genetics (formerly Invitae), Labcorp
Classification: Pathogenic for Familial cancer of breast. Last evaluated: 2025-11-24. Review status: criteria provided, single submitter. Criteria: Invitae Variant Classification Sherloc (09022015). Collection method: clinical testing. Allele origin: germline.
Comment: This sequence change creates a premature translational stop signal (p.Tyr180*) in the BARD1 gene. It is expected to result in an absent or disrupted protein product. Loss-of-function variants in BARD1 are known to be pathogenic (PMID: 20077502, 21344236). This variant is present in population databases (rs779427628, gnomAD 0.005%). This premature translational stop signal has been observed in individual(s) with breast cancer (PMID: 28724667). ClinVar contains an entry for this variant (Variation ID: 186576). For these reasons, this variant has been classified as Pathogenic.

Molecular Pathology, Peter Maccallum Cancer Centre
Classification: Pathogenic for BARD1-related cancer predisposition. Last evaluated: 2024-10-02. Review status: criteria provided, single submitter. Criteria: ACMG Guidelines, 2015. Collection method: clinical testing. Allele origin: germline. Inheritance: Autosomal dominant inheritance.

CeGaT Center for Human Genetics Tuebingen
Classification: Pathogenic. Last evaluated: 2024-10-01. Review status: criteria provided, single submitter. Criteria: CeGaT Center For Human Genetics Tuebingen Variant Classification Criteria Version 2. Collection method: clinical testing. Allele origin: germline. Affected: yes. Observed: 1 variant allele.
Comment: BARD1: PVS1, PM2, PS4:Moderate

Quest Diagnostics Nichols Institute San Juan Capistrano
Classification: Pathogenic. Last evaluated: 2024-02-16. Review status: criteria provided, single submitter. Criteria: Quest Diagnostics criteria. Collection method: clinical testing. Allele origin: unknown.
Comment: The BARD1 c.539_540del (p.Tyr180*) variant causes the premature termination of BARD1 protein synthesis. This variant has been reported in the published literature in individuals with breast cancer (PMIDs: 32782288 (2020), 28724667 (2017)) and clear cell renal cancer (PMID: 32782288 (2020)). The frequency of this variant in the general population, 0.000011 (3/282036 chromosomes (Genome Aggregation Database)), is consistent with pathogenicity. Based on the available information, this variant is classified as pathogenic.

GeneDx
Classification: Pathogenic. Last evaluated: 2024-02-13. Review status: criteria provided, single submitter. Criteria: GeneDx Variant Classification Process June 2021. Collection method: clinical testing. Allele origin: germline. Affected: yes.
Comment: Nonsense variant predicted to result in protein truncation or nonsense mediated decay in a gene for which loss-of-function is a known mechanism of disease; Not observed at a significant frequency in large population cohorts (gnomAD); Observed in individuals with breast or colorectal cancer (PMID: 28724667, 32782288); This variant is associated with the following publications: (PMID: 28724667, 31589614, 32782288, 29922827)

Baylor Genetics
Classification: Pathogenic for Familial cancer of breast. Last evaluated: 2023-10-16. Review status: criteria provided, single submitter. Criteria: ACMG Guidelines, 2015. Collection method: clinical testing. Allele origin: unknown.

KCCC/NGS Laboratory, Kuwait Cancer Control Center
Classification: Pathogenic for Familial cancer of breast. Last evaluated: 2023-07-07. Review status: criteria provided, single submitter. Criteria: ACMG Guidelines, 2015. Collection method: clinical testing. Allele origin: unknown. Affected: yes.
Comment: This sequence change creates a premature translational stop signal (p.Tyr180*) in the BARD1 gene. It is expected to result in an absent or disrupted protein product. Loss-of-function variants in BARD1 are known to be pathogenic (PMID: 20077502, 21344236). This variant is present in population databases (rs779427628, gnomAD 0.005%). This premature translational stop signal has been observed in individual(s) with breast cancer (PMID: 28724667). ClinVar contains an entry for this variant (Variation ID: 186576) with 4 submissions. Therefore, this variant has been classified as Pathogenic.

Myriad Genetics, Inc.
Classification: Pathogenic for Familial cancer of breast. Last evaluated: 2023-05-19. Review status: criteria provided, single submitter. Criteria: Myriad Autosomal Dominant, Autosomal Recessive and X-Linked Classification Criteria (2023). Collection method: clinical testing. Allele origin: unknown.
Comment: This variant is considered pathogenic. This variant creates a termination codon and is predicted to result in premature protein truncation.

Ambry Genetics
Classification: Pathogenic for Hereditary cancer-predisposing syndrome. Last evaluated: 2023-02-15. Review status: criteria provided, single submitter. Criteria: Ambry Variant Classification Scheme 2023. Collection method: clinical testing. Allele origin: germline.
Comment: The c.539_540delAT pathogenic mutation, located in coding exon 4 of the BARD1 gene, results from a deletion of two nucleotides at nucleotide positions 539 to 540, causing a translational frameshift with a predicted alternate stop codon (p.Y180*). This alteration was detected in a cohort of 8085 consecutive unselected Chinese breast cancer patients who underwent multi-gene panel testing (Sun J et al. Clin. Cancer Res., 2017 Oct;23:6113-6119) and was seen in 0/3030 cases of pancreatic cancer and 1/123136 controls from gnomAD (Hu C et al. JAMA, 2018 06;319:2401-2409). In addition to the clinical data presented in the literature, this alteration is expected to result in loss of function by premature protein truncation or nonsense-mediated mRNA decay. As such, this alteration is interpreted as a disease-causing mutation.

Department of Pathology and Laboratory Medicine, Sinai Health System
Classification: Pathogenic for Familial cancer of breast. Last evaluated: 2021-01-22. Review status: criteria provided, single submitter. Criteria: ACMG Guidelines, 2015. Collection method: clinical testing. Allele origin: germline.

Color Diagnostics, LLC DBA Color Health
Classification: Pathogenic for Hereditary cancer-predisposing syndrome. Last evaluated: 2020-01-15. Review status: criteria provided, single submitter. Criteria: ACMG Guidelines, 2015. Collection method: clinical testing. Allele origin: germline.
Comment: This variant deletes 2 nucleotides in exon 4 of the BARD1 gene, creating a frameshift and premature translation stop signal. This variant is expected to result in an absent or non-functional protein product. This variant has been identified in 3/282036 chromosomes in the general population by the Genome Aggregation Database (gnomAD). Loss of BARD1 function is a known mechanism of disease. Based on the available evidence, this variant is classified as Pathogenic.

Literature cited by the submitters: PubMed 20077502 (cited by Labcorp Genetics (formerly Invitae), Labcorp); PubMed 21344236 (cited by Labcorp Genetics (formerly Invitae), Labcorp); PubMed 28724667 (cited by 4 submitters); PubMed 32782288 (cited by Quest Diagnostics Nichols Institute San Juan Capistrano); PubMed 29922827 (cited by Quest Diagnostics Nichols Institute San Juan Capistrano and Ambry Genetics).